The following is an entry in ClinVar:

NM_016169.4(SUFU):c.171C>G (p.Ile57Met)

Gene: SUFU (SUFU negative regulator of hedgehog signaling; plus strand). Cytogenetic location: 10q24.32.
Variant type: single nucleotide variant.
Coding change: c.171C>G on transcript NM_016169.4 (MANE Select); coding-DNA position 171, C replaced by G.
Protein change: p.Ile57Met; replaces isoleucine 57 with methionine.
Molecular consequence: missense variant.
Genome position (GRCh38, 1-based): chr10:102,504,323, C>G. VCF-style: chr10-102504323-C-G. GRCh37 (hg19) VCF-style: chr10-104264080-C-G.
Other names: c.171C>G, p.Ile57Met (NM_001178133.2); short protein forms I57M.
Identifiers: ClinVar variation 570255 (VCV000570255.11), dbSNP rs1283661186, ClinGen allele CA377886748.

ClinVar aggregate classification (germline): Uncertain significance (1 of 4 stars; one submission).

Conditions:
Gorlin syndrome. Also called: Nevoid Basal Cell Carcinoma Syndrome; Basal cell nevus syndrome. Identifiers: Orphanet 377, MedGen C0004779, MONDO:0007187.
Medulloblastoma (MDB). Also called: MEDULLOBLASTOMA PREDISPOSITION SYNDROME; Medulloblastoma, somatic. Identifiers: Orphanet 616, MedGen C0025149, MeSH D008527, MONDO:0007959, OMIM 155255, HP:0002885.

gnomAD v4.1: 2 of 1,614,114 alleles (0.00012%); highest among the groups gnomAD compares: Non-Finnish European, 0.000085%; no homozygotes.

Submission:

Labcorp Genetics (formerly Invitae), Labcorp
Classification: Uncertain significance for Gorlin syndrome; Medulloblastoma. Last evaluated: 2021-01-21. Review status: criteria provided, single submitter. Criteria: Invitae Variant Classification Sherloc (09022015). Collection method: clinical testing. Allele origin: germline.
Comment: This variant is not present in population databases (ExAC no frequency). In summary, the available evidence is currently insufficient to determine the role of this variant in disease. Therefore, it has been classified as a Variant of Uncertain Significance. Algorithms developed to predict the effect of missense changes on protein structure and function are either unavailable or do not agree on the potential impact of this missense change (SIFT: "Deleterious"; PolyPhen-2: "Benign"; Align-GVGD: "Class C0"). This variant has not been reported in the literature in individuals with SUFU-related disease. This sequence change replaces isoleucine with methionine at codon 57 of the SUFU protein (p.Ile57Met). The isoleucine residue is highly conserved and there is a small physicochemical difference between isoleucine and methionine.